The following is an entry in ClinVar:

NM_000059.4(BRCA2):c.6032_6033insGT (p.Phe2011fs)

Gene: BRCA2 (BRCA2 DNA repair associated; plus strand). Cytogenetic location: 13q13.1.
Variant type: Insertion.
Coding change: c.6032_6033insGT on transcript NM_000059.4 (MANE Select); coding-DNA positions 6032 to 6033, GT inserted.
Protein change: p.Phe2011fs; shifts the reading frame from phenylalanine 2011.
Molecular consequence: frameshift variant.
Genome position: GRCh38 VCF-style: chr13-32340386-T-TTG. GRCh37 (hg19) VCF-style: chr13-32914523-T-TTG.
Other names: short protein forms F2011fs.
Identifiers: ClinVar variation 548330 (VCV000548330.1), dbSNP rs1555284507, ClinGen allele CA658823680.

ClinVar aggregate classification (germline): Pathogenic (3 of 4 stars; one submission).

Conditions:
Breast-ovarian cancer, familial, susceptibility to, 2 (BROVCA2). Also called: BRCA2 Hereditary Breast and Ovarian Cancer. Identifiers: Orphanet 145, MedGen C2675520, MONDO:0012933, OMIM 612555. Disease mechanism: loss of function.

Submission:

Evidence-based Network for the Interpretation of Germline Mutant Alleles (ENIGMA)
Classification: Pathogenic for Breast-ovarian cancer, familial, susceptibility to, 2. Last evaluated: 2017-12-15. Review status: reviewed by expert panel. Criteria: ENIGMA BRCA1/2 Classification Criteria (2017-06-29). Collection method: curation. Allele origin: germline. Study: ENIGMA.
Comment: Variant allele predicted to encode a truncated non-functional protein.